The following is an entry in ClinVar:

NM_003126.4(SPTA1):c.1850dup (p.Ser618fs)

Gene: SPTA1 (spectrin alpha, erythrocytic 1; minus strand). Cytogenetic location: 1q23.1.
Variant type: Duplication.
Coding change: c.1850dup on transcript NM_003126.4 (MANE Select); coding-DNA position 1850, one base duplicated (A; older notation c.1850dupA).
Protein change: p.Ser618fs; shifts the reading frame from serine 618.
Molecular consequence: frameshift variant.
Genome position (GRCh38, 1-based): chr1:158,668,046, T duplicated on the plus strand (A on the coding strand, the reverse complement: SPTA1 is on the minus strand); the first of 2 consecutive T bases (chr1:158,668,046-158,668,047); duplicating either gives the same sequence. VCF-style (leftmost placement, unchanged base first): chr1-158668045-C-CT. GRCh37 (hg19) VCF-style: chr1-158637835-C-CT.
Other names: short protein forms S618fs.
Identifiers: ClinVar variation 496724 (VCV000496724.2), dbSNP rs1553234309, ClinGen allele CA658795543.

ClinVar aggregate classification (germline): Pathogenic (1 of 4 stars; one submission).

Conditions:
Hereditary spherocytosis type 3. Also called: Spherocytosis type 3; SPTA1-Related Spherocytosis. Identifiers: Orphanet 822, MedGen C2678338, MONDO:0010053, OMIM 270970.

Submission:

MVZ Dr. Eberhard & Partner Dortmund
Classification: Pathogenic for Hereditary spherocytosis type 3. Last evaluated: 2018-01-02. Review status: criteria provided, single submitter. Criteria: ACMG Guidelines, 2015. Collection method: clinical testing. Allele origin: unknown. Inheritance: Autosomal recessive inheritance.
Comment: Frameshift mutation that generates a premature stop at codon 627 which is predicted to result in a shortend unfunctional protein or NMD, p.(Ser618Glufs*10). LOF is a known mechanism in SPTA1.